The following is an entry in ClinVar:

ClinVar aggregate classification (germline): Uncertain significance (1 of 4 stars; one submission).

Submission:

Labcorp Genetics (formerly Invitae), Labcorp
Classification: Uncertain significance. Last evaluated: 2024-10-16. Review status: criteria provided, single submitter. Criteria: Invitae Variant Classification Sherloc (09022015). Collection method: clinical testing. Allele origin: germline.
Comment: This sequence change replaces glutamic acid, which is acidic and polar, with glycine, which is neutral and non-polar, at codon 172 of the MKL1 protein (p.Glu172Gly). This variant is not present in population databases (gnomAD no frequency). This variant has not been reported in the literature in individuals affected with MKL1-related conditions. ClinVar contains an entry for this variant (Variation ID: 1683142). An algorithm developed to predict the effect of missense changes on protein structure and function (PolyPhen-2) suggests that this variant is likely to be disruptive. In summary, the available evidence is currently insufficient to determine the role of this variant in disease. Therefore, it has been classified as a Variant of Uncertain Significance.

NM_020831.6(MRTFA):c.815A>G (p.Glu272Gly)

Gene: MRTFA (myocardin related transcription factor A; minus strand). Cytogenetic location: 22q13.1.
Variant type: single nucleotide variant.
Coding change: c.815A>G on transcript NM_020831.6 (MANE Select); coding-DNA position 815, A replaced by G.
Protein change: p.Glu272Gly; replaces glutamic acid 272 with glycine.
Molecular consequence: missense variant. On other transcripts: intron variant (1).
Genome position (GRCh38, 1-based): chr22:40,423,648, T>C on the plus strand (A>G on the coding strand, the complement: MRTFA is on the minus strand). VCF-style: chr22-40423648-T-C. GRCh37 (hg19) VCF-style: chr22-40819652-T-C.
Other names: c.515A>G, p.Glu172Gly (NM_001282660.2); c.815A>G, p.Glu272Gly (NM_001282662.3); c.620A>G, p.Glu207Gly (NM_001318139.2); c.777+558A>G (NM_001282661.3); short protein forms E172G, E207G, E272G.
Identifiers: ClinVar variation 1683142 (VCV001683142.6), dbSNP rs2147079676, ClinGen allele CA411665501.